The following is an entry in ClinVar:

NM_014727.3(KMT2B):c.6321G>A (p.Glu2107=)

Gene: KMT2B (lysine methyltransferase 2B; plus strand). Cytogenetic location: 19q13.12.
Variant type: single nucleotide variant.
Coding change: c.6321G>A on transcript NM_014727.3 (MANE Select); coding-DNA position 6321, G replaced by A.
Protein change: p.Glu2107=; no amino-acid change (glutamic acid 2107 retained).
Molecular consequence: synonymous variant.
Genome position (GRCh38, 1-based): chr19:35,732,870, G>A. VCF-style: chr19-35732870-G-A. GRCh37 (hg19) VCF-style: chr19-36223771-G-A.
Identifiers: ClinVar variation 779187 (VCV000779187.48), dbSNP rs200327646, ClinGen allele CA9385665.
Genomic context (GRCh38, chr19:35,732,870, plus strand): 5'-GCCAGGAGTAGTCCGGGCAGGGGTCCTTGGGGCTGCAGGGGACAGGGCCCGGCCTCCTGA[G>A]GACCTGCCATCGGAAATTGTGGATTTTGTGTTGAAGAACCTAGGGGGTCCTGGGGATGGA-3'
Protein context (NP_055542.1, residues 2097-2117): GAAGDRARPP[Glu2107=]DLPSEIVDFV

ClinVar aggregate classification (germline): Benign/Likely benign. Review status: criteria provided, multiple submitters, no conflicts (2 of 4 stars). 5 submissions from 5 submitters: Benign (2); Likely benign (3). Last evaluated 2026-09-01.

Allele frequency attached by ClinVar (database versions not stated): 1000 Genomes Project 0.00260; 1000 Genomes Project 30x 0.00281; gnomAD 0.00287 and 0.00294; ESP Exome Variant Server 0.00316; gnomAD exomes 0.00323 and 0.00391; TOPMed 0.00345; ExAC 0.00424.
gnomAD v4.1: 6,106 of 1,610,122 alleles (0.38%); highest among the groups gnomAD compares: Admixed American, 0.5%; 13 homozygotes.

Submissions (5):

CeGaT Center for Human Genetics Tuebingen
Classification: Likely benign. Last evaluated: 2026-09-01. Review status: criteria provided, single submitter. Criteria: CeGaT Center For Human Genetics Tuebingen Variant Classification Criteria Version 2. Collection method: clinical testing. Allele origin: germline. Affected: yes. Observed: 36 variant alleles.
Comment: KMT2B: BP4, BP7

Labcorp Genetics (formerly Invitae), Labcorp
Classification: Benign. Last evaluated: 2026-02-02. Review status: criteria provided, single submitter. Criteria: Invitae Variant Classification Sherloc (09022015). Collection method: clinical testing. Allele origin: germline.

Blueprint Genetics
Classification: Likely benign. Last evaluated: 2024-11-23. Review status: criteria provided, single submitter. Criteria: ACMG Guidelines, 2015. Collection method: clinical testing. Allele origin: germline.

GeneDx
Classification: Benign. Last evaluated: 2019-01-25. Review status: criteria provided, single submitter. Criteria: GeneDx Variant Classification Process June 2021. Collection method: clinical testing. Allele origin: germline. Affected: yes.

Breakthrough Genomics
Classification: Likely benign. Review status: criteria provided, single submitter. Criteria: ACMG Guidelines, 2015. Collection method: not provided. Allele origin: germline. Inheritance: Autosomal dominant inheritance. Affected: yes.